The following is an entry in ClinVar:

NM_022173.4(TIA1):c.737T>A (p.Phe246Tyr)

Gene: TIA1 (TIA1 cytotoxic granule associated RNA binding protein; minus strand). Cytogenetic location: 2p13.3.
Variant type: single nucleotide variant.
Coding change: c.737T>A on transcript NM_022173.4 (MANE Select); coding-DNA position 737, T replaced by A.
Protein change: p.Phe246Tyr; replaces phenylalanine 246 with tyrosine.
Molecular consequence: missense variant. On other transcripts: non-coding transcript variant (17).
Genome position (GRCh38, 1-based): chr2:70,216,235, A>T on the plus strand (T>A on the coding strand, the complement: TIA1 is on the minus strand). VCF-style: chr2-70216235-A-T. GRCh37 (hg19) VCF-style: chr2-70443367-A-T.
Other names: c.737T>A, p.Phe246Tyr (NM_001351508.2, NM_001351516.2); c.710T>A, p.Phe237Tyr (NM_001351509.2); c.704T>A, p.Phe235Tyr (NM_001351510.2, NM_022037.4); c.626T>A, p.Phe209Tyr (NM_001351511.1); c.599T>A, p.Phe200Tyr (NM_001351512.1); c.593T>A, p.Phe198Tyr (NM_001351513.1); c.509T>A, p.Phe170Tyr (NM_001351514.2); c.434T>A, p.Phe145Tyr (NM_001351515.2); and 1 more; short protein forms F106Y, F145Y, F170Y, F198Y, F200Y, F209Y, F235Y, F237Y.
Identifiers: ClinVar variation 1720176 (VCV001720176.5), dbSNP rs2466551010, ClinGen allele CA347152055.

ClinVar aggregate classification (germline): Uncertain significance (1 of 4 stars; one submission).

Conditions:
Welander distal myopathy (WDM). Also called: MUSCULAR DYSTROPHY, DISTAL, LATE-ONSET, AUTOSOMAL DOMINANT; Gower's muscular dystrophy; Welander distal myopathy, Swedish type; Distal myopathy, Swedish type. Identifiers: Orphanet 603, MedGen C0221054, MONDO:0011466, OMIM 604454.

Submission:

Labcorp Genetics (formerly Invitae), Labcorp
Classification: Uncertain significance for Welander distal myopathy. Last evaluated: 2024-04-22. Review status: criteria provided, single submitter. Criteria: Invitae Variant Classification Sherloc (09022015). Collection method: clinical testing. Allele origin: germline.
Comment: This sequence change replaces phenylalanine, which is neutral and non-polar, with tyrosine, which is neutral and polar, at codon 246 of the TIA1 protein (p.Phe246Tyr). This variant is not present in population databases (gnomAD no frequency). This variant has not been reported in the literature in individuals affected with TIA1-related conditions. ClinVar contains an entry for this variant (Variation ID: 1720176). Advanced modeling of protein sequence and biophysical properties (such as structural, functional, and spatial information, amino acid conservation, physicochemical variation, residue mobility, and thermodynamic stability) performed at Invitae indicates that this missense variant is not expected to disrupt TIA1 protein function with a negative predictive value of 80%. In summary, the available evidence is currently insufficient to determine the role of this variant in disease. Therefore, it has been classified as a Variant of Uncertain Significance.